The following is an entry in ClinVar:

NM_015340.4(LARS2):c.158T>G (p.Leu53Trp)

Gene: LARS2 (leucyl-tRNA synthetase 2, mitochondrial; plus strand). Cytogenetic location: 3p21.31.
Variant type: single nucleotide variant.
Coding change: c.158T>G on transcript NM_015340.4 (MANE Select); coding-DNA position 158, T replaced by G.
Protein change: p.Leu53Trp; replaces leucine 53 with tryptophan.
Molecular consequence: missense variant.
Genome position (GRCh38, 1-based): chr3:45,394,611, T>G. VCF-style: chr3-45394611-T-G. GRCh37 (hg19) VCF-style: chr3-45436103-T-G.
Other names: c.158T>G, p.Leu53Trp (NM_001368263.1); short protein forms L53W.
Identifiers: ClinVar variation 3683526 (VCV003683526.2).
Genomic context (GRCh38, chr3:45,394,611, plus strand): 5'-TTCCCGGATGTACCAGAAGCATCTACAGTGCCACGGGAAAGTGGACAAAAGAGTATACAT[T>G]GCAGACAAGAAAGGATGTTGAGAAATGGTGGCATCAACGAATAAAAGAACAGGCCTCCAA-3'
Protein context (NP_056155.1, residues 43-63): ATGKWTKEYT[Leu53Trp]QTRKDVEKWW

ClinVar aggregate classification (germline): Uncertain significance (1 of 4 stars; one submission).

gnomAD v4.1: 1 of 1,614,164 alleles (0.000062%); highest among the groups gnomAD compares: South Asian, 0.0011%; no homozygotes.

Submission:

Labcorp Genetics (formerly Invitae), Labcorp
Classification: Uncertain significance. Last evaluated: 2024-04-16. Review status: criteria provided, single submitter. Criteria: Invitae Variant Classification Sherloc (09022015). Collection method: clinical testing. Allele origin: germline.
Comment: This sequence change replaces leucine, which is neutral and non-polar, with tryptophan, which is neutral and slightly polar, at codon 53 of the LARS2 protein (p.Leu53Trp). This variant is not present in population databases (gnomAD no frequency). This variant has not been reported in the literature in individuals affected with LARS2-related conditions. Advanced modeling of protein sequence and biophysical properties (such as structural, functional, and spatial information, amino acid conservation, physicochemical variation, residue mobility, and thermodynamic stability) performed at Invitae indicates that this missense variant is not expected to disrupt LARS2 protein function with a negative predictive value of 80%. In summary, the available evidence is currently insufficient to determine the role of this variant in disease. Therefore, it has been classified as a Variant of Uncertain Significance.